The following is an entry in ClinVar:

ClinVar aggregate classification (germline): Conflicting classifications of pathogenicity. Review status: criteria provided, conflicting classifications (1 of 4 stars). 3 submissions from 3 submitters: Uncertain significance (1); Likely benign (1). 1 of the submissions does not count toward it. Last evaluated 2024-10-26.

Conditions:
COL18A1-related disorder. Also called: COL18A1-related condition; COL18A1-related disorders.

Allele frequency attached by ClinVar (database versions not stated): gnomAD exomes below 0.00001; ExAC 0.00002.
gnomAD v4.1: 2 of 1,614,204 alleles (0.00012%); highest among the groups gnomAD compares: South Asian, 0.0011%; no homozygotes.

Submissions (3):

Blueprint Genetics
Classification: Likely benign. Last evaluated: 2024-10-26. Review status: criteria provided, single submitter. Criteria: ACMG Guidelines, 2015. Collection method: clinical testing. Allele origin: germline.

Labcorp Genetics (formerly Invitae), Labcorp
Classification: Uncertain significance. Last evaluated: 2024-02-24. Review status: criteria provided, single submitter. Criteria: Invitae Variant Classification Sherloc (09022015). Collection method: clinical testing. Allele origin: germline.
Comment: This sequence change falls in intron 14 of the COL18A1 gene. It does not directly change the encoded amino acid sequence of the COL18A1 protein. It affects a nucleotide within the consensus splice site. This variant is present in population databases (rs771060622, gnomAD 0.003%). This variant has not been reported in the literature in individuals affected with COL18A1-related conditions. ClinVar contains an entry for this variant (Variation ID: 2079983). Variants that disrupt the consensus splice site are a relatively common cause of aberrant splicing (PMID: 17576681, 9536098). Algorithms developed to predict the effect of sequence changes on RNA splicing suggest that this variant is not likely to affect RNA splicing. In summary, the available evidence is currently insufficient to determine the role of this variant in disease. Therefore, it has been classified as a Variant of Uncertain Significance.

PreventionGenetics, part of Exact Sciences
Classification: Likely benign for COL18A1-related condition. Last evaluated: 2020-06-25. Review status: no assertion criteria provided. Collection method: clinical testing. Allele origin: germline. Not counted in ClinVar's aggregate classification.
Comment: This variant is classified as likely benign based on ACMG/AMP sequence variant interpretation guidelines (Richards et al. 2015 PMID: 25741868, with internal and published modifications).

Literature cited by the submitters: PubMed 17576681 (cited by Labcorp Genetics (formerly Invitae), Labcorp); PubMed 9536098 (cited by Labcorp Genetics (formerly Invitae), Labcorp).

NM_001379500.1(COL18A1):c.1675-3C>T

Gene: COL18A1 (collagen type XVIII alpha 1 chain; plus strand). Cytogenetic location: 21q22.3.
Variant type: single nucleotide variant.
Coding change: c.1675-3C>T on transcript NM_001379500.1 (MANE Select); 3 bases into the intron before coding-DNA position 1675, C replaced by T.
Molecular consequence: intron variant.
Genome position (GRCh38, 1-based): chr21:45,482,792, C>T. VCF-style: chr21-45482792-C-T. GRCh37 (hg19) VCF-style: chr21-46902706-C-T.
Other names: c.2215-3C>T (NM_030582.3, NM_030582.4); c.2920-3C>T (NM_130444.3).
Identifiers: ClinVar variation 2079983 (VCV002079983.7), dbSNP rs771060622, ClinGen allele CA10066505.
Genomic context (GRCh38, chr21:45,482,792, plus strand): 5'-GCCTTCCTCTGTCCACTGTGCTGCAAGTCTGATTTTGTCATAATCCTGCTCTTTTCCGTA[C>T]AGGGTGAAGCAGGCGCCCCAGGACATAAGGTACAAGCAGAATCCCTGGCACATCAGTCCC-3'